The following is an entry in ClinVar:

NM_000414.4(HSD17B4):c.1717_1718del (p.Leu573fs)

Gene: HSD17B4 (hydroxysteroid 17-beta dehydrogenase 4; plus strand). Cytogenetic location: 5q23.1.
Variant type: Microsatellite.
Coding change: c.1717_1718del on transcript NM_000414.4 (MANE Select); coding-DNA positions 1717 to 1718, 2 bases deleted (CT; older notation c.1717_1718delCT).
Protein change: p.Leu573fs; shifts the reading frame from leucine 573.
Molecular consequence: frameshift variant. On other transcripts: non-coding transcript variant (2).
Genome position (GRCh38, 1-based): chr5:119,527,169-119,527,170, CT deleted; deleting any 2 consecutive bases within chr5:119,527,167-119,527,170 gives the same sequence; the c. name uses the placement nearest the transcript's 3' end. VCF-style (leftmost placement, unchanged base first): chr5-119527166-ACT-A. GRCh37 (hg19) VCF-style: chr5-118862861-ACT-A.
Other names: c.1645_1646del, p.Leu549fs (NM_001374498.1, NM_001292027.2); c.1390_1391del, p.Leu464fs (NM_001374499.1); c.1276_1277del, p.Leu426fs (NM_001374500.1); c.1306_1307del, p.Leu436fs (NM_001374501.1, NM_001374502.1, NM_001374503.1); c.1717_1718del (NM_000414.3); c.1792_1793del, p.Leu598fs (NM_001199291.3); c.1663_1664del, p.Leu555fs (NM_001199292.2); c.1297_1298del, p.Leu433fs (NM_001292028.2); and 1 more; short protein forms L433fs, L555fs, L573fs, L598fs, L549fs, L426fs, L436fs, L464fs.
Identifiers: ClinVar variation 371008 (VCV000371008.12), dbSNP rs1057516936, ClinGen allele CA16040972.

ClinVar aggregate classification (germline): Pathogenic/Likely pathogenic. Review status: criteria provided, multiple submitters, no conflicts (2 of 4 stars). 4 submissions from 4 submitters: Pathogenic (1); Likely pathogenic (2). 1 of the submissions does not count toward it. Last evaluated 2025-05-02.

Conditions:
Bifunctional peroxisomal enzyme deficiency (DBIF). Also called: DBP DEFICIENCY; PBFE DEFICIENCY; D-bifunctional protein deficiency. Identifiers: Orphanet 300, MedGen C0342870, MONDO:0009855, OMIM 261515. Disease mechanism: loss of function.
Perrault syndrome. Also called: Gonadal dysgenesis with auditory dysfunction, autosomal recessive inheritance. Identifiers: Orphanet 2855, MedGen C0685838, MONDO:0017312.
Perrault syndrome 1 (PRLTS1). Also called: GONADAL DYSGENESIS, XX TYPE, WITH DEAFNESS; OVARIAN DYSGENESIS WITH SENSORINEURAL DEAFNESS. Identifiers: Orphanet 2855, Orphanet 642945, MedGen C4551721, MONDO:0009300, OMIM 233400.

Submissions (4):

Natera, Inc.
Classification: Likely pathogenic for Bifunctional peroxisomal enzyme deficiency. Last evaluated: 2025-05-02. Review status: criteria provided, single submitter. Criteria: Natera Variant Classification Schema (03/2026). Collection method: clinical testing. Allele origin: germline.
Comment: The c.1717_1718delCT variant in HSD17B4 is a frameshift variant predicted to shift the reading frame beginning at codon 573 and leads to a stop codon 3 codons downstream. This variant is expected to result in nonsense mediated decay, truncation, or a dysfunctional protein product. This variant is rare in the general population with a frequency below the threshold expected for the associated phenotype(s). Given the available evidence, this variant is classified as Likely Pathogenic.

Fulgent Genetics
Classification: Likely pathogenic for Perrault syndrome 1; Bifunctional peroxisomal enzyme deficiency. Last evaluated: 2024-02-21. Review status: criteria provided, single submitter. Criteria: ACMG Guidelines, 2015. Collection method: clinical testing. Allele origin: germline.

Labcorp Genetics (formerly Invitae), Labcorp
Classification: Pathogenic for Perrault syndrome; Bifunctional peroxisomal enzyme deficiency. Last evaluated: 2022-09-12. Review status: criteria provided, single submitter. Criteria: Invitae Variant Classification Sherloc (09022015). Collection method: clinical testing. Allele origin: germline.
Comment: For these reasons, this variant has been classified as Pathogenic. This sequence change creates a premature translational stop signal (p.Leu573Thrfs*3) in the HSD17B4 gene. It is expected to result in an absent or disrupted protein product. Loss-of-function variants in HSD17B4 are known to be pathogenic (PMID: 11810648, 16385454). This variant is not present in population databases (gnomAD no frequency). This variant has not been reported in the literature in individuals affected with HSD17B4-related conditions. ClinVar contains an entry for this variant (Variation ID: 371008).

Counsyl
Classification: Likely pathogenic for Bifunctional peroxisomal enzyme deficiency. Last evaluated: 2016-06-03. Review status: no assertion criteria provided. Collection method: clinical testing. Allele origin: unknown. Not counted in ClinVar's aggregate classification.

Literature cited by the submitters: PubMed 11810648 (cited by Labcorp Genetics (formerly Invitae), Labcorp); PubMed 16385454 (cited by Labcorp Genetics (formerly Invitae), Labcorp).